The following is an entry in ClinVar:

ClinVar aggregate classification (germline): Uncertain significance (1 of 4 stars; one submission).

Submission:

Dasa
Classification: Uncertain significance. Last evaluated: 2025-07-03. Review status: criteria provided, single submitter. Criteria: DASA Assertion Criteria. Collection method: clinical testing. Allele origin: germline.
Comment: NM_018315.5(FBXW7):c.48C>A (p.Tyr16*) is a nonsense variant in FBXW7 predicted to introduce a premature termination codon. This variant is absent from population databases. The currently available literature and clinical evidence are not sufficient to establish a definitive association between this variant and the reported condition. Therefore, this variant is classified as a variant of uncertain significance.

NM_001349798.2(FBXW7):c.502-2559C>A

Gene: FBXW7 (F-box and WD repeat domain containing 7; minus strand). Cytogenetic location: 4q31.3.
Variant type: single nucleotide variant.
Coding change: c.502-2559C>A on transcript NM_001349798.2 (MANE Select); 2559 bases into the intron before coding-DNA position 502, C replaced by A.
Molecular consequence: intron variant. On other transcripts: nonsense (1).
Genome position (GRCh38, 1-based): chr4:152,352,683, G>T on the plus strand (C>A on the coding strand, the complement: FBXW7 is on the minus strand). VCF-style: chr4-152352683-G-T. GRCh37 (hg19) VCF-style: chr4-153273835-G-T.
Other names: c.48C>A, p.Tyr16Ter (NM_018315.5); c.148-2559C>A (NM_001013415.2); c.502-2559C>A (NM_033632.3); short protein forms Y16*.
Identifiers: ClinVar variation 4880958 (VCV004880958.2).